The following is an entry in ClinVar:

NM_007294.4(BRCA1):c.3664G>T (p.Glu1222Ter)

Genes: BRCA1 (BRCA1 DNA repair associated; minus strand), LOC126862571 (BRD4-independent group 4 enhancer GRCh37_chr17:41243136-41244335; plus strand). Cytogenetic location: 17q21.31.
Variant type: single nucleotide variant.
Coding change: c.3664G>T on transcript NM_007294.4 (MANE Select); coding-DNA position 3664, G replaced by T.
Protein change: p.Glu1222Ter; replaces glutamic acid 1222 with a stop codon.
Molecular consequence: nonsense. On other transcripts: intron variant (135).
Genome position (GRCh38, 1-based): chr17:43,091,867, C>A on the plus strand (G>T on the coding strand, the complement: BRCA1 is on the minus strand). VCF-style: chr17-43091867-C-A. GRCh37 (hg19) VCF-style: chr17-41243884-C-A.
Other names: 3783G>T; c.3328G>T, p.Glu1110Ter (NM_001407956.1, NM_001407958.1, NM_001407954.1 and 1 more transcripts); c.3331G>T, p.Glu1111Ter (NM_001407957.1, NM_001407946.1, NM_001407947.1 and 6 more transcripts); c.3451G>T, p.Glu1151Ter (NM_001407571.1, NM_001407853.1, NM_001407894.1 and 9 more transcripts); c.3283G>T, p.Glu1095Ter (NM_001407959.1, NM_001407960.1, NM_001407963.1); c.3664G>T, p.Glu1222Ter (NM_001407581.1, NM_001407582.1, NM_001407583.1 and 30 more transcripts); c.3280G>T, p.Glu1094Ter (NM_001407962.1); c.3520G>T, p.Glu1174Ter (NM_001407964.1, NM_001407740.1, NM_001407741.1 and 20 more transcripts); and 42 more; short protein forms E1222*, E1175*, E1095*, E1111*, E1152*, E1155*, E1174*, E1094*.
Identifiers: ClinVar variation 54959 (VCV000054959.57), dbSNP rs80357356, ClinGen allele CA002348.
Genomic context (GRCh38, chr17:43,091,867, plus strand): 5'-TAGACTGAGAAGGTATATTGTTTACTTTACCAAATAACAAGTGTTGGAAGCAGGGAAGCT[C>A]TTCATCCTCACTAGATAAGTTCTCTTCTGAGGACTCTAATTTCTTGGCCCCTCTTCGGTA-3'

ClinVar aggregate classification (germline): Pathogenic. Review status: reviewed by expert panel (3 of 4 stars). 15 submissions from 15 submitters: Pathogenic (1). 14 of the submissions do not count toward it. Last evaluated 2016-09-08.

Conditions:
Hereditary cancer-predisposing syndrome. Also called: Hereditary Cancer Syndrome; Tumor predisposition; Neoplastic Syndromes, Hereditary; Hereditary neoplastic syndrome. Identifiers: Orphanet 140162, MedGen C0027672, MeSH D009386, MONDO:0015356.
Hereditary breast ovarian cancer syndrome. Also called: Breast and ovarian cancer; BRCA1- and BRCA2-Associated Hereditary Breast and Ovarian Cancer; Hereditary breast and ovarian cancer; Hereditary breast and ovarian cancer syndrome (HBOC); Hereditary breast and ovarian cancer syndrome; Hereditary breast and/or ovarian cancer syndrome. Identifiers: Orphanet 145, MedGen C0677776, MeSH D061325, MONDO:0003582. Disease mechanism: loss of function.
Breast-ovarian cancer, familial, susceptibility to, 1 (BROVCA1). Also called: BRCA1 Hereditary Breast and Ovarian Cancer; OVARIAN CANCER, SUSCEPTIBILITY TO. Identifiers: Orphanet 145, MedGen C2676676, MONDO:0011450, OMIM 604370. Disease mechanism: loss of function.

Allele frequency attached by ClinVar (database versions not stated): gnomAD exomes below 0.00001.
gnomAD v4.1: 2 of 1,614,158 alleles (0.00012%); highest among the groups gnomAD compares: Non-Finnish European, 0.00017%; no homozygotes.

Submissions 1 to 9 of 15:

Evidence-based Network for the Interpretation of Germline Mutant Alleles (ENIGMA)
Classification: Pathogenic for Breast-ovarian cancer, familial, susceptibility to, 1. Last evaluated: 2016-09-08. Review status: reviewed by expert panel. Criteria: ENIGMA BRCA1/2 Classification Criteria (2015). Collection method: curation. Allele origin: germline.
Comment: Variant allele predicted to encode a truncated non-functional protein.

Color Diagnostics, LLC DBA Color Health
Classification: Pathogenic for Hereditary cancer-predisposing syndrome. Last evaluated: 2025-10-21. Review status: criteria provided, single submitter. Criteria: ACMG Guidelines, 2015. Collection method: clinical testing. Allele origin: germline. Not counted in ClinVar's aggregate classification.
Comment: This variant changes 1 nucleotide in exon 10 of the BRCA1 gene, creating a premature translation stop signal. This variant is expected to result in an absent or non-functional protein product. This variant has been reported in an individual affected with breast cancer (PMID: 25428789). Multifactorial analysis reached a combined likelihood ratio (LR) of 31.912 based on personal and family history for 7 carriers (PMID: 31853058). This variant has not been identified in the general population by the Genome Aggregation Database (gnomAD). Loss of BRCA1 function is a known mechanism of disease. Based on the available evidence, this variant is classified as Pathogenic.

Labcorp Genetics (formerly Invitae), Labcorp
Classification: Pathogenic for Hereditary breast ovarian cancer syndrome. Last evaluated: 2025-08-13. Review status: criteria provided, single submitter. Criteria: Invitae Variant Classification Sherloc (09022015). Collection method: clinical testing. Allele origin: germline. Not counted in ClinVar's aggregate classification.
Comment: This sequence change creates a premature translational stop signal (p.Glu1222*) in the BRCA1 gene. It is expected to result in an absent or disrupted protein product. Loss-of-function variants in BRCA1 are known to be pathogenic (PMID: 20104584). This variant is not present in population databases (gnomAD no frequency). This premature translational stop signal has been observed in individual(s) with a personal and family history of breast cancer (PMID: 25428789). ClinVar contains an entry for this variant (Variation ID: 54959). For these reasons, this variant has been classified as Pathogenic.

Quest Diagnostics Nichols Institute San Juan Capistrano
Classification: Pathogenic. Last evaluated: 2025-06-12. Review status: criteria provided, single submitter. Criteria: Quest Diagnostics criteria. Collection method: clinical testing. Allele origin: unknown. Not counted in ClinVar's aggregate classification.
Comment: The BRCA1 c.3664G>T (p.Glu1222*) variant causes the premature termination of BRCA1 protein synthesis. This variant has been reported in the published literature in individuals with breast and/or ovarian cancer (PMIDs: 25428789 (2015), 28888541 (2017), 29446198 (2018)) and pancreatic cancer (PMID: 30836094 (2019)). This variant has not been reported in large, multi-ethnic general populations (Genome Aggregation Database). Based on the available information, this variant is classified as pathogenic.

Ambry Genetics
Classification: Pathogenic for Hereditary cancer-predisposing syndrome. Last evaluated: 2024-12-18. Review status: criteria provided, single submitter. Criteria: Ambry Variant Classification Scheme 2023. Collection method: clinical testing. Allele origin: germline. Not counted in ClinVar's aggregate classification.
Comment: The p.E1222* pathogenic mutation (also known as c.3664G>T), located in coding exon 9 of the BRCA1 gene, results from a G to T substitution at nucleotide position 3664. This changes the amino acid from a glutamic acid to a stop codon within coding exon 9. This alteration has been reported in breast and/or ovarian cancer cohorts (Churpek JE et al. Breast Cancer Res. Treat. 2015 Jan;149(1):31-9; eMERGE Am J Hum Genet. 2019 Sep 5; 105(3): 588-605.). In addition to the clinical data presented in the literature, this alteration is expected to result in loss of function by premature protein truncation or nonsense-mediated mRNA decay. As such, this alteration is interpreted as a disease-causing mutation.

All of Us Research Program, National Institutes of Health
Classification: Pathogenic for Breast-ovarian cancer, familial, susceptibility to, 1. Last evaluated: 2024-01-05. Review status: criteria provided, single submitter. Criteria: ACMG Guidelines, 2015. Collection method: clinical testing. Allele origin: germline. Inheritance: Autosomal dominant inheritance. Observed: 1 variant allele, 1 heterozygote. Not counted in ClinVar's aggregate classification.
Comment: The c.3664G>T (p.Glu1222*) variant in the BRCA1 gene introduces a premature stop codon at amino acid position 1222. It is predicted to result in a disrupted or absent protein product due to nonsense-mediated mRNA decay. This variant has been observed in multiple individuals with breast and/or ovarian cancer (PMID: 16267036, 25428789, 29446198, 31447099). Truncating variants in BRCA1 gene are known to be pathogenic (PMID: 21989022, 17661172, 22762150). This variant is absent in general population database (gnomAD). ClinVar has an entry for this variant, and it has been classified as pathogenic by the expert panel (ID: 54959). Therefore, the c.3664G>T (p.Glu1222*) variant in the BRCA1 gene is classified as pathogenic.

This study involves interpretation of variants in research participants for the purpose of population health screening. Participant phenotype was not available at the time of variant classification. Additional details can be found in publication PMID: 35346344, PMCID: PMC8962531

CeGaT Center for Human Genetics Tuebingen
Classification: Pathogenic. Last evaluated: 2023-03-01. Review status: criteria provided, single submitter. Criteria: CeGaT Center For Human Genetics Tuebingen Variant Classification Criteria Version 2. Collection method: clinical testing. Allele origin: germline. Affected: yes. Observed: 1 variant allele. Not counted in ClinVar's aggregate classification.
Comment: BRCA1: PVS1, PM2, PS4:Moderate

GeneDx
Classification: Pathogenic. Last evaluated: 2022-06-06. Review status: criteria provided, single submitter. Criteria: GeneDx Variant Classification Process June 2021. Collection method: clinical testing. Allele origin: germline. Affected: yes. Not counted in ClinVar's aggregate classification.
Comment: Nonsense variant predicted to result in protein truncation or nonsense mediated decay in a gene for which loss-of-function is a known mechanism of disease; Truncating variants in this gene are considered pathogenic by a well-established clinical consortium and/or database; Not observed at significant frequency in large population cohorts (gnomAD); Also known as 3783G>T; This variant is associated with the following publications: (PMID: 25428789, 16267036, 26295337, 29446198, 28888541, 31447099, 31219654)

Baylor Genetics
Classification: Pathogenic for Breast-ovarian cancer, familial, susceptibility to, 1. Last evaluated: 2021-08-20. Review status: criteria provided, single submitter. Criteria: ACMG Guidelines, 2015. Collection method: clinical testing. Allele origin: unknown. Not counted in ClinVar's aggregate classification.